The following is an entry in ClinVar:

ClinVar aggregate classification (germline): Benign/Likely benign. Review status: criteria provided, multiple submitters, no conflicts (2 of 4 stars). 7 submissions from 7 submitters: Benign (1); Likely benign (4). 2 of the submissions do not count toward it. Last evaluated 2026-01-20.

Conditions:
FANCA-related disorder. Also called: FANCA-related condition.
Fanconi anemia (FA). Also called: Fanconi's anemia. Identifiers: Orphanet 84, MedGen C0015625, MeSH D005199, MONDO:0019391.
Inborn genetic diseases. Identifiers: MedGen C0950123, MeSH D030342.

Allele frequency attached by ClinVar (database versions not stated): gnomAD exomes 0.00014 and 0.00032; ExAC 0.00038; 1000 Genomes Project 0.00060; gnomAD 0.00089; 1000 Genomes Project 30x 0.00125; TOPMed 0.00143; ESP Exome Variant Server 0.00192.
gnomAD v4.1: 367 of 1,613,912 alleles (0.023%); highest among the groups gnomAD compares: African/African-American, 0.45%; 1 homozygote.

Submissions (7):

Labcorp Genetics (formerly Invitae), Labcorp
Classification: Benign for Fanconi anemia. Last evaluated: 2026-01-20. Review status: criteria provided, single submitter. Criteria: Invitae Variant Classification Sherloc (09022015). Collection method: clinical testing. Allele origin: germline.

Ambry Genetics
Classification: Likely benign for Inborn genetic diseases. Last evaluated: 2024-10-02. Review status: criteria provided, single submitter. Criteria: Ambry Variant Classification Scheme 2023. Collection method: clinical testing. Allele origin: germline.

Blueprint Genetics
Classification: Likely benign. Last evaluated: 2024-10-02. Review status: criteria provided, single submitter. Criteria: ACMG Guidelines, 2015. Collection method: clinical testing. Allele origin: germline.

Sema4
Classification: Likely benign for Fanconi anemia. Last evaluated: 2021-04-23. Review status: criteria provided, single submitter. Criteria: Sema4 Curation Guidelines. Collection method: curation. Allele origin: germline.

Genetic Services Laboratory, University of Chicago
Classification: Likely benign. Last evaluated: 2017-11-21. Review status: criteria provided, single submitter. Criteria: ACMG Guidelines, 2015. Collection method: clinical testing. Allele origin: germline. Affected: no.

PreventionGenetics, part of Exact Sciences
Classification: Likely benign for FANCA-related condition. Last evaluated: 2019-12-26. Review status: no assertion criteria provided. Collection method: clinical testing. Allele origin: germline. Not counted in ClinVar's aggregate classification.
Comment: This variant is classified as likely benign based on ACMG/AMP sequence variant interpretation guidelines (Richards et al. 2015 PMID: 25741868, with internal and published modifications).

Natera, Inc.
Classification: Likely benign for Fanconi anemia. Last evaluated: 2019-11-11. Review status: no assertion criteria provided. Collection method: clinical testing. Allele origin: germline. Not counted in ClinVar's aggregate classification.

NM_000135.4(FANCA):c.237C>T (p.Asp79=)

Gene: FANCA (FA complementation group A; minus strand). Cytogenetic location: 16q24.3.
Variant type: single nucleotide variant.
Coding change: c.237C>T on transcript NM_000135.4 (MANE Select); coding-DNA position 237, C replaced by T.
Protein change: p.Asp79=; no amino-acid change (aspartic acid 79 retained).
Molecular consequence: synonymous variant.
Genome position (GRCh38, 1-based): chr16:89,814,566, G>A on the plus strand (C>T on the coding strand, the complement: FANCA is on the minus strand). VCF-style: chr16-89814566-G-A. GRCh37 (hg19) VCF-style: chr16-89880974-G-A.
Other names: c.237C>T, p.Asp79= (NM_001018112.3, NM_001286167.3, NM_001351830.2).
Identifiers: ClinVar variation 696218 (VCV000696218.21), dbSNP rs144151341, ClinGen allele CA8253108.